The following is an entry in ClinVar:

NM_033026.6(PCLO):c.4637G>A (p.Ser1546Asn)

Gene: PCLO (piccolo presynaptic cytomatrix protein; minus strand). Cytogenetic location: 7q21.11.
Variant type: single nucleotide variant.
Coding change: c.4637G>A on transcript NM_033026.6 (MANE Select); coding-DNA position 4637, G replaced by A.
Protein change: p.Ser1546Asn; replaces serine 1546 with asparagine.
Molecular consequence: missense variant.
Genome position (GRCh38, 1-based): chr7:82,956,316, C>T on the plus strand (G>A on the coding strand, the complement: PCLO is on the minus strand). VCF-style: chr7-82956316-C-T. GRCh37 (hg19) VCF-style: chr7-82585632-C-T.
Other names: c.4637G>A, p.Ser1546Asn (NM_014510.3); c.4637G>A (NM_033026.5); short protein forms S1546N.
Identifiers: ClinVar variation 1365877 (VCV001365877.6), dbSNP rs762660762, ClinGen allele CA4320787.

ClinVar aggregate classification (germline): Uncertain significance. Review status: criteria provided, multiple submitters, no conflicts (2 of 4 stars). 2 submissions from 2 submitters: Uncertain significance (2). Last evaluated 2022-10-17.

Conditions:
Inborn genetic diseases. Identifiers: MedGen C0950123, MeSH D030342.

Allele frequency attached by ClinVar (database versions not stated): gnomAD 0.00001; gnomAD exomes 0.00002 and 0.00004; TOPMed 0.00003; ExAC 0.00007.
gnomAD v4.1: 25 of 1,612,886 alleles (0.0016%); highest among the groups gnomAD compares: Admixed American, 0.02%; no homozygotes.

Submissions (2):

Labcorp Genetics (formerly Invitae), Labcorp
Classification: Uncertain significance. Last evaluated: 2022-10-17. Review status: criteria provided, single submitter. Criteria: Invitae Variant Classification Sherloc (09022015). Collection method: clinical testing. Allele origin: germline.
Comment: This sequence change replaces serine, which is neutral and polar, with asparagine, which is neutral and polar, at codon 1546 of the PCLO protein (p.Ser1546Asn). This variant is present in population databases (rs762660762, gnomAD 0.02%). This variant has not been reported in the literature in individuals affected with PCLO-related conditions. ClinVar contains an entry for this variant (Variation ID: 1365877). Algorithms developed to predict the effect of missense changes on protein structure and function are either unavailable or do not agree on the potential impact of this missense change (SIFT: "Deleterious"; PolyPhen-2: "Not Available"; Align-GVGD: "Class C0"). In summary, the available evidence is currently insufficient to determine the role of this variant in disease. Therefore, it has been classified as a Variant of Uncertain Significance.

Ambry Genetics
Classification: Uncertain significance for Inborn genetic diseases. Last evaluated: 2022-06-29. Review status: criteria provided, single submitter. Criteria: Ambry Variant Classification Scheme 2023. Collection method: clinical testing. Allele origin: germline.